The following is an entry in ClinVar:

NM_014014.5(SNRNP200):c.1718A>C (p.His573Pro)

Gene: SNRNP200 (small nuclear ribonucleoprotein U5 subunit 200; minus strand). Cytogenetic location: 2q11.2.
Variant type: single nucleotide variant.
Coding change: c.1718A>C on transcript NM_014014.5 (MANE Select); coding-DNA position 1718, A replaced by C.
Protein change: p.His573Pro; replaces histidine 573 with proline.
Molecular consequence: missense variant.
Genome position (GRCh38, 1-based): chr2:96,295,612, T>G on the plus strand (A>C on the coding strand, the complement: SNRNP200 is on the minus strand). VCF-style: chr2-96295612-T-G. GRCh37 (hg19) VCF-style: chr2-96961350-T-G.
Other names: short protein forms H573P.
Identifiers: ClinVar variation 937867 (VCV000937867.9), dbSNP rs2063912093, ClinGen allele CA347681065.

ClinVar aggregate classification (germline): Uncertain significance (1 of 4 stars; one submission).

Submission:

Labcorp Genetics (formerly Invitae), Labcorp
Classification: Uncertain significance. Last evaluated: 2019-09-19. Review status: criteria provided, single submitter. Criteria: Invitae Variant Classification Sherloc (09022015). Collection method: clinical testing. Allele origin: germline.
Comment: In summary, the available evidence is currently insufficient to determine the role of this variant in disease. Therefore, it has been classified as a Variant of Uncertain Significance. Algorithms developed to predict the effect of missense changes on protein structure and function are either unavailable or do not agree on the potential impact of this missense change (SIFT: "Tolerated"; PolyPhen-2: "Probably Damaging"; Align-GVGD: "Class C0"). This variant has not been reported in the literature in individuals with SNRNP200-related conditions. This variant is not present in population databases (ExAC no frequency). This sequence change replaces histidine with proline at codon 573 of the SNRNP200 protein (p.His573Pro). The histidine residue is moderately conserved and there is a moderate physicochemical difference between histidine and proline.